The following is an entry in ClinVar:

ClinVar aggregate classification (germline): Uncertain significance (1 of 4 stars; one submission).

Conditions:
PGM1-congenital disorder of glycosylation. Also called: PHOSPHOGLUCOMUTASE 1 DEFICIENCY; PGM1 DEFICIENCY; GLYCOGEN STORAGE DISEASE XIV; GSD XIV; Congenital disorder of glycosylation type 1t; CDG It. Identifiers: Orphanet 319646, MedGen C2752015, MONDO:0013968, OMIM 614921.

Allele frequency attached by ClinVar (database versions not stated): gnomAD exomes 0.00002; gnomAD 0.00003.
gnomAD v4.1: 30 of 1,612,722 alleles (0.0019%); highest among the groups gnomAD compares: Non-Finnish European, 0.0024%; no homozygotes.

Submission:

Labcorp Genetics (formerly Invitae), Labcorp
Classification: Uncertain significance for PGM1-congenital disorder of glycosylation. Last evaluated: 2022-01-25. Review status: criteria provided, single submitter. Criteria: Invitae Variant Classification Sherloc (09022015). Collection method: clinical testing. Allele origin: germline.
Comment: This sequence change replaces serine, which is neutral and polar, with phenylalanine, which is neutral and non-polar, at codon 45 of the PGM1 protein (p.Ser45Phe). This variant is present in population databases (no rsID available, gnomAD 0.01%). This variant has not been reported in the literature in individuals affected with PGM1-related conditions. Algorithms developed to predict the effect of missense changes on protein structure and function (SIFT, PolyPhen-2, Align-GVGD) all suggest that this variant is likely to be tolerated. In summary, the available evidence is currently insufficient to determine the role of this variant in disease. Therefore, it has been classified as a Variant of Uncertain Significance.

NM_002633.3(PGM1):c.134C>T (p.Ser45Phe)

Genes: PGM1 (phosphoglucomutase 1; plus strand), LOC129930668 (ATAC-STARR-seq lymphoblastoid active region 1127; plus strand). Cytogenetic location: 1p31.3.
Variant type: single nucleotide variant.
Coding change: c.134C>T on transcript NM_002633.3 (MANE Select); coding-DNA position 134, C replaced by T.
Protein change: p.Ser45Phe; replaces serine 45 with phenylalanine.
Molecular consequence: missense variant.
Genome position (GRCh38, 1-based): chr1:63,593,622, C>T. VCF-style: chr1-63593622-C-T. GRCh37 (hg19) VCF-style: chr1-64059293-C-T.
Other names: short protein forms S45F.
Identifiers: ClinVar variation 2171325 (VCV002171325.1), dbSNP rs1477093847, ClinGen allele CA340639182.